The following is an entry in ClinVar:

ClinVar aggregate classification (germline): Likely benign. Review status: criteria provided, multiple submitters, no conflicts (2 of 4 stars). 4 submissions from 4 submitters: Likely benign (4). Last evaluated 2025-10-16.

Conditions:
MAK-related disorder. Also called: MAK-related condition.
Retinal dystrophy. Also called: Inherited retinal dystrophy. Identifiers: Orphanet 71862, MedGen C0854723, MeSH D058499, MONDO:0019118, HP:0000556.

Allele frequency attached by ClinVar (database versions not stated): gnomAD 0.00001 and 0.00003; gnomAD exomes 0.00002 and 0.00007; ExAC 0.00003; TOPMed 0.00003; 1000 Genomes Project 30x 0.00016; 1000 Genomes Project 0.00020.
gnomAD v4.1: 99 of 1,614,128 alleles (0.0061%); highest among the groups gnomAD compares: East Asian, 0.051%; no homozygotes.

Submissions (4):

Labcorp Genetics (formerly Invitae), Labcorp
Classification: Likely benign. Last evaluated: 2025-10-16. Review status: criteria provided, single submitter. Criteria: Invitae Variant Classification Sherloc (09022015). Collection method: clinical testing. Allele origin: germline.

PreventionGenetics, part of Exact Sciences
Classification: Likely benign for MAK-related condition. Last evaluated: 2025-06-24. Review status: criteria provided, single submitter. Criteria: ACMG Guidelines, 2015. Collection method: clinical testing. Allele origin: germline.
Comment: This variant is classified as likely benign based on ACMG/AMP sequence variant interpretation guidelines (Richards et al. 2015 PMID: 25741868, with internal and published modifications).

Dept Of Ophthalmology, Nagoya University
Classification: Likely benign for Retinal dystrophy. Last evaluated: 2023-10-01. Review status: criteria provided, single submitter. Criteria: Submitter's publication. Collection method: research. Allele origin: germline. Affected: yes.

Blueprint Genetics
Classification: Likely benign. Last evaluated: 2019-02-07. Review status: criteria provided, single submitter. Criteria: ACMG Guidelines, 2015. Collection method: clinical testing. Allele origin: germline.

NM_001242957.3(MAK):c.1062C>T (p.Ser354=)

Gene: MAK (male germ cell associated kinase; minus strand). Cytogenetic location: 6p24.2.
Variant type: single nucleotide variant.
Coding change: c.1062C>T on transcript NM_001242957.3 (MANE Select); coding-DNA position 1062, C replaced by T.
Protein change: p.Ser354=; no amino-acid change (serine 354 retained).
Molecular consequence: synonymous variant. On other transcripts: non-coding transcript variant (2).
Genome position (GRCh38, 1-based): chr6:10,796,079, G>A on the plus strand (C>T on the coding strand, the complement: MAK is on the minus strand). VCF-style: chr6-10796079-G-A. GRCh37 (hg19) VCF-style: chr6-10796312-G-A.
Other names: c.1062C>T, p.Ser354= (NM_005906.6, NM_001242385.2); c.1062C>T (NM_001242957.2); c.960C>T, p.Ser320= (NM_001377262.1).
Identifiers: ClinVar variation 1131333 (VCV001131333.12), dbSNP rs199694073, ClinGen allele CA3633565.